The following is an entry in ClinVar:

NM_000212.3(ITGB3):c.889G>A (p.Gly297Arg)

Gene: ITGB3 (integrin subunit beta 3; plus strand). Cytogenetic location: 17q21.32.
Variant type: single nucleotide variant.
Coding change: c.889G>A on transcript NM_000212.3 (MANE Select); coding-DNA position 889, G replaced by A.
Protein change: p.Gly297Arg; replaces glycine 297 with arginine.
Molecular consequence: missense variant.
Genome position (GRCh38, 1-based): chr17:47,287,181, G>A. VCF-style: chr17-47287181-G-A. GRCh37 (hg19) VCF-style: chr17-45364547-G-A.
Other names: NM_000212.3(ITGB3):c.889G>A; p.Gly297Arg; short protein forms G297R.
Identifiers: ClinVar variation 890136 (VCV000890136.7), dbSNP rs756088530, ClinGen allele CA8623074.

ClinVar aggregate classification (germline): Uncertain significance. Review status: reviewed by expert panel (3 of 4 stars). 4 submissions from 4 submitters: Uncertain significance (1). 3 of the submissions do not count toward it. Last evaluated 2026-01-20.

Conditions:
Glanzmann thrombasthenia. Also called: THROMBASTHENIA OF GLANZMANN AND NAEGELI; PLATELET GLYCOPROTEIN IIb-IIIa DEFICIENCY; Thrombasthenia; Glanzmann's thrombasthenia. Identifiers: Orphanet 849, MedGen C0040015, MONDO:0100326.

Allele frequency attached by ClinVar (database versions not stated): gnomAD 0.00001; ExAC 0.00002; TOPMed 0.00001; gnomAD exomes 0.00001.
gnomAD v4.1: 8 of 1,613,810 alleles (0.0005%); highest among the groups gnomAD compares: African/African-American, 0.0013%; no homozygotes.

Submissions (4):

ClinGen Platelet Disorders Variant Curation Expert Panel, ClinGen
Classification: Uncertain significance for Glanzmann thrombasthenia. Last evaluated: 2026-01-20. Review status: reviewed by expert panel. Criteria: ClinGen Platelet ACMG Specifications v2-1. Collection method: curation. Allele origin: germline. Inheritance: Autosomal recessive inheritance.
Comment: The p.Gly297Arg variant is very rare in the general population, with a highest minor allele frequency of 1/74896 (0.00001335) in the African/African American genetic ancestry group of gnomADv4.1, which is lower than the ClinGen PD VCEP threshold (<0.0001; PM2_Supporting). The variant is predicted to have a deleterious effect (REVEL score of 0.986; PP3). In summary, this variant meets criteria to be classified as uncertain significance for GT. GT-specific criteria applied: PM2_supporting, PP4_moderate, and PP3.

Women's Health and Genetics/Laboratory Corporation of America, LabCorp
Classification: Uncertain significance. Last evaluated: 2025-11-13. Review status: criteria provided, single submitter. Criteria: LabCorp Variant Classification Summary - May 2015. Collection method: clinical testing. Allele origin: germline. Not counted in ClinVar's aggregate classification.
Comment: Variant summary: ITGB3 c.889G>A (p.Gly297Arg) results in a non-conservative amino acid change in the encoded protein sequence. Algorithms developed to predict the effect of missense changes on protein structure and function all suggest that this variant is likely to be disruptive. The variant allele was found at a frequency of 1.2e-05 in 251214 control chromosomes. The available data on variant occurrences in the general population are insufficient to allow any conclusion about variant significance. c.889G>A has been observed at a heterozygous state in one individual with severe bleeding syndrome and an absence of platelet aggregation but qualitatively abnormal IIb3, however screened genes were limited (Nurden_2015). Further a high throughput study rejected the pathogenicity of this variant with bleeding diseases (Stefanucci_2023). These report(s) do not provide unequivocal conclusions about association of the variant with Glanzmann Thrombasthenia 2. To our knowledge, no experimental evidence demonstrating an impact on protein function has been reported. The following publications have been ascertained in the context of this evaluation (PMID: 25728920, 37647632). ClinVar contains an entry for this variant (Variation ID: 890136). Based on the evidence outlined above, the variant was classified as uncertain significance.

Labcorp Genetics (formerly Invitae), Labcorp
Classification: Uncertain significance. Last evaluated: 2025-03-31. Review status: criteria provided, single submitter. Criteria: Invitae Variant Classification Sherloc (09022015). Collection method: clinical testing. Allele origin: germline. Not counted in ClinVar's aggregate classification.
Comment: This sequence change replaces glycine, which is neutral and non-polar, with arginine, which is basic and polar, at codon 297 of the ITGB3 protein (p.Gly297Arg). This variant is present in population databases (rs756088530, gnomAD 0.003%). This missense change has been observed in individual(s) with Glanzmann thrombasthenia (PMID: 25728920). ClinVar contains an entry for this variant (Variation ID: 890136). Invitae Evidence Modeling of protein sequence and biophysical properties (such as structural, functional, and spatial information, amino acid conservation, physicochemical variation, residue mobility, and thermodynamic stability) indicates that this missense variant is expected to disrupt ITGB3 protein function with a positive predictive value of 95%. In summary, the available evidence is currently insufficient to determine the role of this variant in disease. Therefore, it has been classified as a Variant of Uncertain Significance.

Illumina Laboratory Services, Illumina
Classification: Uncertain significance for Glanzmann thrombasthenia 1. Last evaluated: 2017-04-27. Review status: criteria provided, single submitter. Criteria: ICSL Variant Classification Criteria 13 December 2019. Collection method: clinical testing. Allele origin: germline. Not counted in ClinVar's aggregate classification.
Comment: This variant was observed as part of a predisposition screen in an ostensibly healthy population. A literature search was performed for the gene, cDNA change, and amino acid change (where applicable). Publications were found based on this search. However, the evidence from the literature, in combination with allele frequency data from public databases where available, was not sufficient to rule this variant in or out of causing disease. Therefore, this variant is classified as a variant of unknown significance.

Literature cited by the submitters: PubMed 25728920 (cited by 3 submitters); PubMed 37647632 (cited by Women's Health and Genetics/Laboratory Corporation of America, LabCorp).